The following is an entry in ClinVar:

NM_206933.4(USH2A):c.1807G>A (p.Gly603Arg)

Gene: USH2A (usherin; minus strand). Cytogenetic location: 1q41.
Variant type: single nucleotide variant.
Coding change: c.1807G>A on transcript NM_206933.4 (MANE Select); coding-DNA position 1807, G replaced by A.
Protein change: p.Gly603Arg; replaces glycine 603 with arginine.
Molecular consequence: missense variant.
Genome position (GRCh38, 1-based): chr1:216,292,208, C>T on the plus strand (G>A on the coding strand, the complement: USH2A is on the minus strand). VCF-style: chr1-216292208-C-T. GRCh37 (hg19) VCF-style: chr1-216465550-C-T.
Other names: c.1807G>A, p.Gly603Arg (NM_007123.6); c.1807G>A (NM_206933.2); short protein forms G603R.
Identifiers: ClinVar variation 4293911 (VCV004293911.3).

ClinVar aggregate classification (germline): Conflicting classifications of pathogenicity. Review status: criteria provided, conflicting classifications (1 of 4 stars). 3 submissions from 3 submitters: Likely pathogenic (2); Uncertain significance (1). Last evaluated 2026-01-08.

Conditions:
Usher syndrome type 2A. Also called: RETINAL DISEASE IN USHER SYNDROME TYPE IIA, MODIFIER OF; USHER SYNDROME, TYPE IIA. Identifiers: Orphanet 231178, Orphanet 886, MedGen C1848634, MONDO:0010169, OMIM 276901.
USH2A-related disorder. Also called: USH2A-related condition; USH2A-related disorders. Identifiers: MedGen CN239332.

gnomAD v4.1: 1 of 1,613,936 alleles (0.000062%); highest among the groups gnomAD compares: African/African-American, 0.0013%; no homozygotes.

Submissions (3):

Myriad Genetics, Inc.
Classification: Uncertain significance for USH2A-related disorder. Last evaluated: 2026-01-08. Review status: criteria provided, single submitter. Criteria: Myriad Autosomal Dominant, Autosomal Recessive and X-Linked Classification Criteria (2023). Collection method: clinical testing. Allele origin: unknown.
Comment: NM_206933.2(USH2A):c.1807G>A(G603R) is a missense variant classified as a variant of uncertain significance in the context of USH2A-related disorders. G603R has been observed in cases with relevant disease (PMID: 28559085, 28944237). Relevant functional assessments of this variant are not available in the literature. G603R has not been observed in referenced population frequency databases. In summary, there is insufficient evidence to classify NM_206933.2(USH2A):c.1807G>A(G603R) as pathogenic or benign. Please note: this variant was assessed in the context of healthy population screening.

3billion
Classification: Likely pathogenic for Usher syndrome type 2A. Last evaluated: 2024-08-09. Review status: criteria provided, single submitter. Criteria: ACMG Guidelines, 2015. Collection method: clinical testing. Allele origin: germline. Affected: yes.
Comment: The variant is observed at an extremely low frequency in the gnomAD v4.0.0 dataset (total allele frequency: <0.001%). Predicted Consequence/Location: The majority of the known disease-causing variants of this gene are variants expected to result in premature termination of the protein. In silico tool predictions suggest damaging effect of the variant on gene or gene product [REVEL: 0.77 (>=0.6, sensitivity 0.68 and specificity 0.92)]. The same nucleotide change resulting in the same amino acid change has been previously reported to be associated with USH2A related disorder (PMID: 28944237).The variant has been reported to be in trans with a pathogenic variant as either compound heterozygous or homozygous in at least one similarly affected unrelated individual (PMID: 28944237). A different missense change at the same codon (p.Gly603Glu) has been reported to be associated with USH2A related disorder (PMID: 26927203). Therefore, this variant is classified as Likely pathogenic according to the recommendation of ACMG/AMP guideline.

Natera, Inc.
Classification: Likely pathogenic for Usher syndrome type 2A. Last evaluated: 2024-02-24. Review status: criteria provided, single submitter. Criteria: Natera Variant Classification Schema (03/2026). Collection method: clinical testing. Allele origin: germline.
Comment: The c.1807G>A variant in USH2A is a missense variant predicted to cause substitution of glycine to arginine at amino acid 603. This variant is rare in the general population with a frequency below the threshold expected for the associated phenotype(s). This variant has been observed in one or more individuals affected with the associated recessive disease, as either homozygous or compound heterozygous with a second variant (PMID: 28944237, 28559085). Computational prediction algorithms indicate this variant is likely to affect gene or protein function. Given the available evidence, this variant is classified as Likely Pathogenic.

Literature cited by the submitters: PubMed 28559085 (cited by Myriad Genetics, Inc. and Natera, Inc.); PubMed 28944237 (cited by 3 submitters); PubMed 26927203 (cited by 3billion).